The following is an entry in ClinVar:

ClinVar aggregate classification (germline): Uncertain significance (1 of 4 stars; one submission).

Conditions:
DOCK2 deficiency. Also called: Immunodeficiency 40. Identifiers: Orphanet 447737, MedGen C4225328, MONDO:0014637, OMIM 616433.

Allele frequency attached by ClinVar (database versions not stated): gnomAD exomes 0.00002; ExAC 0.00003; gnomAD 0.00005 and 0.00006; TOPMed 0.00005; ESP Exome Variant Server 0.00008.
gnomAD v4.1: 77 of 1,612,696 alleles (0.0048%); highest among the groups gnomAD compares: Non-Finnish European, 0.0064%; no homozygotes.

Submission:

Labcorp Genetics (formerly Invitae), Labcorp
Classification: Uncertain significance for DOCK2 deficiency. Last evaluated: 2024-09-06. Review status: criteria provided, single submitter. Criteria: Invitae Variant Classification Sherloc (09022015). Collection method: clinical testing. Allele origin: germline.
Comment: This sequence change replaces isoleucine, which is neutral and non-polar, with threonine, which is neutral and polar, at codon 1285 of the DOCK2 protein (p.Ile1285Thr). This variant is present in population databases (rs369071999, gnomAD 0.006%). This variant has not been reported in the literature in individuals affected with DOCK2-related conditions. ClinVar contains an entry for this variant (Variation ID: 579521). An algorithm developed to predict the effect of missense changes on protein structure and function (PolyPhen-2) suggests that this variant is likely to be disruptive. In summary, the available evidence is currently insufficient to determine the role of this variant in disease. Therefore, it has been classified as a Variant of Uncertain Significance.

NM_004946.3(DOCK2):c.3854T>C (p.Ile1285Thr)

Gene: DOCK2 (dedicator of cytokinesis 2; plus strand). Cytogenetic location: 5q35.1.
Variant type: single nucleotide variant.
Coding change: c.3854T>C on transcript NM_004946.3 (MANE Select); coding-DNA position 3854, T replaced by C.
Protein change: p.Ile1285Thr; replaces isoleucine 1285 with threonine.
Molecular consequence: missense variant. On other transcripts: non-coding transcript variant (1).
Genome position (GRCh38, 1-based): chr5:170,042,110, T>C. VCF-style: chr5-170042110-T-C. GRCh37 (hg19) VCF-style: chr5-169469114-T-C.
Other names: c.3854T>C, p.Ile1285Thr (LRG_1227t1); short protein forms I1285T.
Identifiers: ClinVar variation 579521 (VCV000579521.6), dbSNP rs369071999, ClinGen allele CA3554341.